The following is an entry in ClinVar:

NM_000264.5(PTCH1):c.1209T>G (p.Tyr403Ter)

Gene: PTCH1 (patched 1; minus strand). Cytogenetic location: 9q22.32.
Variant type: single nucleotide variant.
Coding change: c.1209T>G on transcript NM_000264.5 (MANE Select); coding-DNA position 1209, T replaced by G.
Protein change: p.Tyr403Ter; replaces tyrosine 403 with a stop codon.
Molecular consequence: nonsense. On other transcripts: non-coding transcript variant (1).
Genome position (GRCh38, 1-based): chr9:95,479,006, A>C on the plus strand (T>G on the coding strand, the complement: PTCH1 is on the minus strand). VCF-style: chr9-95479006-A-C. GRCh37 (hg19) VCF-style: chr9-98241288-A-C.
Other names: c.1011T>G, p.Tyr337Ter (NM_001083602.3); c.1206T>G, p.Tyr402Ter (NM_001083603.3); c.756T>G, p.Tyr252Ter (NM_001083604.3, NM_001083605.3, NM_001083606.3 and 1 more transcripts); c.1209T>G, p.Tyr403Ter (NM_001354918.2); short protein forms Y337*, Y403*, Y252*, Y402*.
Identifiers: ClinVar variation 524572 (VCV000524572.9), dbSNP rs1432645175, ClinGen allele CA374119216.
Genomic context (GRCh38, chr9:95,479,006, plus strand): 5'-AATGAAGAATTGCATAACCAGCGAGTCTGCACGCCGATTCGAAGGTGGGTTTACCTCCAC[A>C]TATGTCCTCTGCCAGGCCTCCAGGATGGCTGCCGCTTTGTCCTCGTTCCAGTTGATGTGT-3'

ClinVar aggregate classification (germline): Pathogenic. Review status: criteria provided, multiple submitters, no conflicts (2 of 4 stars). 2 submissions from 2 submitters: Pathogenic (2). Last evaluated 2023-02-18.

Conditions:
Hereditary cancer-predisposing syndrome. Also called: Neoplastic Syndromes, Hereditary; Tumor predisposition; Hereditary Cancer Syndrome; Hereditary neoplastic syndrome. Identifiers: Orphanet 140162, MedGen C0027672, MeSH D009386, MONDO:0015356.
Gorlin syndrome. Also called: Nevoid Basal Cell Carcinoma Syndrome; Basal cell nevus syndrome. Identifiers: Orphanet 377, MedGen C0004779, MONDO:0007187.

Submissions (2):

Labcorp Genetics (formerly Invitae), Labcorp
Classification: Pathogenic for Gorlin syndrome. Last evaluated: 2023-02-18. Review status: criteria provided, single submitter. Criteria: Invitae Variant Classification Sherloc (09022015). Collection method: clinical testing. Allele origin: germline.
Comment: For these reasons, this variant has been classified as Pathogenic. ClinVar contains an entry for this variant (Variation ID: 524572). This variant has not been reported in the literature in individuals affected with PTCH1-related conditions. This variant is not present in population databases (gnomAD no frequency). This sequence change creates a premature translational stop signal (p.Tyr403*) in the PTCH1 gene. It is expected to result in an absent or disrupted protein product. Loss-of-function variants in PTCH1 are known to be pathogenic (PMID: 16301862, 16419085).

Ambry Genetics
Classification: Pathogenic for Hereditary cancer-predisposing syndrome. Last evaluated: 2020-11-17. Review status: criteria provided, single submitter. Criteria: Ambry Variant Classification Scheme 2023. Collection method: clinical testing. Allele origin: germline.
Comment: The p.Y403* variant (also known as c.1209T>G), located in coding exon 8 of the PTCH1 gene, results from a T to G substitution at nucleotide position 1209. This changes the amino acid from a tyrosine to a stop codon within coding exon 8. This alteration is expected to result in loss of function by premature protein truncation or nonsense-mediated mRNA decay. As such, this alteration is interpreted as a disease-causing mutation.

Literature cited by the submitters: PubMed 16301862 (cited by Labcorp Genetics (formerly Invitae), Labcorp); PubMed 16419085 (cited by Labcorp Genetics (formerly Invitae), Labcorp).